The following is an entry in ClinVar:

NM_006265.3(RAD21):c.1400C>T (p.Ala467Val)

Gene: RAD21 (RAD21 cohesin complex component; minus strand). Cytogenetic location: 8q24.11.
Variant type: single nucleotide variant.
Coding change: c.1400C>T on transcript NM_006265.3 (MANE Select); coding-DNA position 1400, C replaced by T.
Protein change: p.Ala467Val; replaces alanine 467 with valine.
Molecular consequence: missense variant.
Genome position (GRCh38, 1-based): chr8:116,852,018, G>A on the plus strand (C>T on the coding strand, the complement: RAD21 is on the minus strand). VCF-style: chr8-116852018-G-A. GRCh37 (hg19) VCF-style: chr8-117864257-G-A.
Other names: short protein forms A467V.
Identifiers: ClinVar variation 521644 (VCV000521644.13), dbSNP rs1445148501, ClinGen allele CA371997292.

ClinVar aggregate classification (germline): Conflicting classifications of pathogenicity. Review status: criteria provided, conflicting classifications (1 of 4 stars). 2 submissions from 2 submitters: Uncertain significance (1); Likely benign (1). Last evaluated 2025-06-17.

Conditions:
Inborn genetic diseases. Identifiers: MedGen C0950123, MeSH D030342.
Cornelia de Lange syndrome 4 (CDLS4). Also called: RAD21-Related Cornelia de Lange Syndrome; CORNELIA DE LANGE SYNDROME 4 WITH OR WITHOUT MIDLINE BRAIN DEFECTS. Identifiers: Orphanet 199, MedGen C3553517, MONDO:0013864, OMIM 614701.

Allele frequency attached by ClinVar (database versions not stated): TOPMed below 0.00001; gnomAD 0.00003.
gnomAD v4.1: 4 of 1,613,254 alleles (0.00025%); no homozygotes.

Submissions (2):

Ambry Genetics
Classification: Likely benign for Inborn genetic diseases. Last evaluated: 2025-06-17. Review status: criteria provided, single submitter. Criteria: Ambry Variant Classification Scheme 2023. Collection method: clinical testing. Allele origin: germline.

Labcorp Genetics (formerly Invitae), Labcorp
Classification: Uncertain significance for Cornelia de Lange syndrome 4. Last evaluated: 2024-10-03. Review status: criteria provided, single submitter. Criteria: Invitae Variant Classification Sherloc (09022015). Collection method: clinical testing. Allele origin: germline.
Comment: This sequence change replaces alanine, which is neutral and non-polar, with valine, which is neutral and non-polar, at codon 467 of the RAD21 protein (p.Ala467Val). This variant is not present in population databases (gnomAD no frequency). This variant has not been reported in the literature in individuals affected with RAD21-related conditions. ClinVar contains an entry for this variant (Variation ID: 521644). Invitae Evidence Modeling of protein sequence and biophysical properties (such as structural, functional, and spatial information, amino acid conservation, physicochemical variation, residue mobility, and thermodynamic stability) indicates that this missense variant is not expected to disrupt RAD21 protein function with a negative predictive value of 95%. In summary, the available evidence is currently insufficient to determine the role of this variant in disease. Therefore, it has been classified as a Variant of Uncertain Significance.